The following is an entry in ClinVar:

NM_080680.3(COL11A2):c.1119+42G>T

Gene: COL11A2 (collagen type XI alpha 2 chain; minus strand). Cytogenetic location: 6p21.32.
Variant type: single nucleotide variant.
Coding change: c.1119+42G>T on transcript NM_080680.3 (MANE Select); 42 bases into the intron after coding-DNA position 1119, G replaced by T.
Molecular consequence: intron variant.
Genome position (GRCh38, 1-based): chr6:33,184,103, C>A on the plus strand (G>T on the coding strand, the complement: COL11A2 is on the minus strand). VCF-style: chr6-33184103-C-A. GRCh37 (hg19) VCF-style: chr6-33151880-C-A.
Other names: NC_000006.11:g.33151880C>A; c.798+2524G>T (NM_080679.3); c.861+889G>T (NM_080681.3).
Identifiers: ClinVar variation 674971 (VCV000674971.2), dbSNP rs41317102, ClinGen allele CA3751469.

ClinVar aggregate classification (germline): Benign (1 of 4 stars; one submission).

Allele frequency attached by ClinVar (database versions not stated): gnomAD exomes 0.04459; ExAC 0.04839; 1000 Genomes Project 0.09385; gnomAD 0.10009 and 0.10656; 1000 Genomes Project 30x 0.10150; TOPMed 0.10613; ESP Exome Variant Server 0.11016.
gnomAD v4.1: 73,621 of 1,360,386 alleles (5.4%); highest among the groups gnomAD compares: African/African-American, 26%; 3,824 homozygotes.

Submissions (11):

GeneDx
Classification: Benign. Last evaluated: 2018-06-19. Review status: criteria provided, single submitter. Criteria: GeneDx Variant Classification (06012015). Collection method: clinical testing. Allele origin: germline. Affected: yes.
Comment: This variant is considered likely benign or benign based on one or more of the following criteria: it is a conservative change, it occurs at a poorly conserved position in the protein, it is predicted to be benign by multiple in silico algorithms, and/or has population frequency not consistent with disease.

Dr. Peter K. Rogan Lab, Western University
No classification provided (evidence only). Condition: Acute myeloid leukemia. Review status: no classification provided. Collection method: in vitro. Allele origin: not applicable. Functional consequence: retained intron. Not counted in ClinVar's aggregate classification.

Dr. Peter K. Rogan Lab, Western University
No classification provided (evidence only). Condition: Acute myeloid leukemia. Review status: no classification provided. Collection method: in vitro. Allele origin: not applicable. Functional consequence: retained intron. Not counted in ClinVar's aggregate classification.

Dr. Peter K. Rogan Lab, Western University
No classification provided (evidence only). Condition: Acute myeloid leukemia. Review status: no classification provided. Collection method: in vitro. Allele origin: not applicable. Functional consequence: retained intron. Not counted in ClinVar's aggregate classification.

Dr. Peter K. Rogan Lab, Western University
No classification provided (evidence only). Condition: Sarcoma. Review status: no classification provided. Collection method: in vitro. Allele origin: not applicable. Functional consequence: retained intron. Not counted in ClinVar's aggregate classification.

Dr. Peter K. Rogan Lab, Western University
No classification provided (evidence only). Condition: Sarcoma. Review status: no classification provided. Collection method: in vitro. Allele origin: not applicable. Functional consequence: retained intron. Not counted in ClinVar's aggregate classification.

Dr. Peter K. Rogan Lab, Western University
No classification provided (evidence only). Condition: Sarcoma. Review status: no classification provided. Collection method: in vitro. Allele origin: not applicable. Functional consequence: retained intron. Not counted in ClinVar's aggregate classification.

Dr. Peter K. Rogan Lab, Western University
No classification provided (evidence only). Condition: Cholangiocarcinoma. Review status: no classification provided. Collection method: in vitro. Allele origin: not applicable. Functional consequence: retained intron. Not counted in ClinVar's aggregate classification.

Dr. Peter K. Rogan Lab, Western University
No classification provided (evidence only). Condition: Gastric cancer. Review status: no classification provided. Collection method: in vitro. Allele origin: not applicable. Functional consequence: retained intron. Not counted in ClinVar's aggregate classification.

Dr. Peter K. Rogan Lab, Western University
No classification provided (evidence only). Condition: Gastric cancer. Review status: no classification provided. Collection method: in vitro. Allele origin: not applicable. Functional consequence: retained intron. Not counted in ClinVar's aggregate classification.

Dr. Peter K. Rogan Lab, Western University
No classification provided (evidence only). Condition: Uveal melanoma. Review status: no classification provided. Collection method: in vitro. Allele origin: not applicable. Functional consequence: retained intron. Not counted in ClinVar's aggregate classification.